The following is an entry in ClinVar:

ClinVar aggregate classification (germline): Pathogenic. Review status: reviewed by expert panel (3 of 4 stars). 3 submissions from 3 submitters: Pathogenic (1). 2 of the submissions do not count toward it. Last evaluated 2017-12-15.

Conditions:
Hereditary breast ovarian cancer syndrome. Also called: Hereditary breast and ovarian cancer; Hereditary breast and ovarian cancer syndrome (HBOC); BRCA1- and BRCA2-Associated Hereditary Breast and Ovarian Cancer; Hereditary breast and/or ovarian cancer syndrome; Breast and ovarian cancer; Hereditary breast and ovarian cancer syndrome. Identifiers: Orphanet 145, MedGen C0677776, MeSH D061325, MONDO:0003582. Disease mechanism: loss of function.
Breast-ovarian cancer, familial, susceptibility to, 2 (BROVCA2). Also called: BRCA2 Hereditary Breast and Ovarian Cancer. Identifiers: Orphanet 145, MedGen C2675520, MONDO:0012933, OMIM 612555. Disease mechanism: loss of function.

Submissions (3):

Evidence-based Network for the Interpretation of Germline Mutant Alleles (ENIGMA)
Classification: Pathogenic for Breast-ovarian cancer, familial, susceptibility to, 2. Last evaluated: 2017-12-15. Review status: reviewed by expert panel. Criteria: ENIGMA BRCA1/2 Classification Criteria (2017-06-29). Collection method: curation. Allele origin: germline. Study: ENIGMA.
Comment: Variant allele predicted to encode a truncated non-functional protein.

GeneDx
Classification: Pathogenic. Last evaluated: 2022-06-17. Review status: criteria provided, single submitter. Criteria: GeneDx Variant Classification Process June 2021. Collection method: clinical testing. Allele origin: germline. Affected: yes. Not counted in ClinVar's aggregate classification.
Comment: Frameshift variant predicted to result in protein truncation or nonsense mediated decay in a gene for which loss of function is a known mechanism of disease; Not observed at significant frequency in large population cohorts (gnomAD); Truncating variants in this gene are considered pathogenic by a well-established clinical consortium and/or database; Has not been previously published as pathogenic or benign to our knowledge; Also known as 4822_4826delGTTAA or 4822del5

Labcorp Genetics (formerly Invitae), Labcorp
Classification: Pathogenic for Hereditary breast ovarian cancer syndrome. Last evaluated: 2017-05-29. Review status: criteria provided, single submitter. Criteria: Invitae Variant Classification Sherloc (09022015). Collection method: clinical testing. Allele origin: germline. Not counted in ClinVar's aggregate classification.
Comment: For these reasons, this variant has been classified as Pathogenic. Loss-of-function variants in BRCA2 are known to be pathogenic (PMID: 20104584). This variant has not been reported in the literature in individuals with a BRCA2-related disease. ClinVar contains an entry for this variant (Variation ID: 246173). This variant is not present in population databases (ExAC no frequency). This sequence change creates a premature translational stop signal (p.Val1532Asnfs*14) in the BRCA2 gene. It is expected to result in an absent or disrupted protein product.

Literature cited by the submitters: PubMed 20104584 (cited by Labcorp Genetics (formerly Invitae), Labcorp).

NM_000059.4(BRCA2):c.4594_4598del (p.Val1532fs)

Gene: BRCA2 (BRCA2 DNA repair associated; plus strand). Cytogenetic location: 13q13.1.
Variant type: Deletion.
Coding change: c.4594_4598del on transcript NM_000059.4 (MANE Select); coding-DNA positions 4594 to 4598, 5 bases deleted (GTTAA; older notation c.4594_4598delGTTAA).
Protein change: p.Val1532fs; shifts the reading frame from valine 1532.
Molecular consequence: frameshift variant.
Genome position (GRCh38, 1-based): chr13:32,338,949-32,338,953, GTTAA deleted; deleting any 5 consecutive bases within chr13:32,338,947-32,338,953 gives the same sequence; the c. name uses the placement nearest the transcript's 3' end. VCF-style (leftmost placement, unchanged base first): chr13-32338946-AAAGTT-A. GRCh37 (hg19) VCF-style: chr13-32913083-AAAGTT-A.
Other names: c.4594_4598delGTTAA (NM_000059.3); short protein forms V1532fs.
Identifiers: ClinVar variation 246173 (VCV000246173.9), dbSNP rs879254138, ClinGen allele CA10584446.